The following is an entry in ClinVar:

ClinVar aggregate classification (germline): Uncertain significance. Review status: criteria provided, multiple submitters, no conflicts (2 of 4 stars). 7 submissions from 7 submitters: Uncertain significance (7). Last evaluated 2025-07-17.

Conditions:
Glycogen storage disease, type VII (GSD7). Also called: GSD VII; MUSCLE PHOSPHOFRUCTOKINASE DEFICIENCY; PFKM DEFICIENCY; TARUI DISEASE. Identifiers: Orphanet 371, MedGen C0017926, MONDO:0009295, OMIM 232800.
Inborn genetic diseases. Identifiers: MedGen C0950123, MeSH D030342.

Allele frequency attached by ClinVar (database versions not stated): TOPMed 0.00002; gnomAD 0.00005 and 0.00009; ESP Exome Variant Server 0.00008; gnomAD exomes 0.00014 and 0.00019; ExAC 0.00016.
gnomAD v4.1: 217 of 1,613,870 alleles (0.013%); highest among the groups gnomAD compares: South Asian, 0.13%; 1 homozygote.

Submissions (7):

Mayo Clinic Laboratories, Mayo Clinic
Classification: Uncertain significance. Last evaluated: 2025-07-17. Review status: criteria provided, single submitter. Criteria: ACMG Guidelines, 2015. Collection method: clinical testing. Allele origin: germline. Observed: 2 variant alleles.

ARUP Laboratories, Molecular Genetics and Genomics, ARUP Laboratories
Classification: Uncertain significance for Glycogen storage disease, type VII. Last evaluated: 2025-03-18. Review status: criteria provided, single submitter. Criteria: ARUP Molecular Germline Variant Investigation Process 2024. Collection method: clinical testing. Allele origin: germline.
Comment: The PFKM c.722A>G; p.Glu241Gly variant (rs148544344), to our knowledge, is not reported in the medical literature but is reported in ClinVar (Variation ID: 883791). This variant is found in the general population with an overall allele frequency of 0.02% (49/282,866 alleles) in the Genome Aggregation Database (v2.1.1). Computational analyses are uncertain whether this variant is neutral or deleterious (REVEL: 0.591). Due to limited information, the clinical significance of this variant is uncertain at this time.

Revvity Omics, Revvity
Classification: Uncertain significance for Glycogen storage disease, type VII. Last evaluated: 2024-09-11. Review status: criteria provided, single submitter. Criteria: ACMG Guidelines, 2015. Collection method: clinical testing. Allele origin: germline.

Ambry Genetics
Classification: Uncertain significance for Inborn genetic diseases. Last evaluated: 2024-04-15. Review status: criteria provided, single submitter. Criteria: Ambry Variant Classification Scheme 2023. Collection method: clinical testing. Allele origin: germline.

Labcorp Genetics (formerly Invitae), Labcorp
Classification: Uncertain significance for Glycogen storage disease, type VII. Last evaluated: 2022-10-05. Review status: criteria provided, single submitter. Criteria: Invitae Variant Classification Sherloc (09022015). Collection method: clinical testing. Allele origin: germline.
Comment: This sequence change replaces glutamic acid, which is acidic and polar, with glycine, which is neutral and non-polar, at codon 241 of the PFKM protein (p.Glu241Gly). This variant is present in population databases (rs148544344, gnomAD 0.1%). This variant has not been reported in the literature in individuals affected with PFKM-related conditions. ClinVar contains an entry for this variant (Variation ID: 883791). Advanced modeling of protein sequence and biophysical properties (such as structural, functional, and spatial information, amino acid conservation, physicochemical variation, residue mobility, and thermodynamic stability) performed at Invitae indicates that this missense variant is not expected to disrupt PFKM protein function. In summary, the available evidence is currently insufficient to determine the role of this variant in disease. Therefore, it has been classified as a Variant of Uncertain Significance.

Genome-Nilou Lab
Classification: Uncertain significance for Glycogen storage disease, type VII. Last evaluated: 2021-07-14. Review status: criteria provided, single submitter. Criteria: ACMG Guidelines, 2015. Collection method: clinical testing. Allele origin: germline. Affected: no.

Illumina Laboratory Services, Illumina
Classification: Uncertain significance for Glycogen storage disease, type VII. Last evaluated: 2018-01-13. Review status: criteria provided, single submitter. Criteria: ICSL Variant Classification Criteria 13 December 2019. Collection method: clinical testing. Allele origin: germline.

NM_000289.6(PFKM):c.722A>G (p.Glu241Gly)

Gene: PFKM (phosphofructokinase, muscle; plus strand). Cytogenetic location: 12q13.11.
Variant type: single nucleotide variant.
Coding change: c.722A>G on transcript NM_000289.6 (MANE Select); coding-DNA position 722, A replaced by G.
Protein change: p.Glu241Gly; replaces glutamic acid 241 with glycine.
Molecular consequence: missense variant. On other transcripts: non-coding transcript variant (6).
Genome position (GRCh38, 1-based): chr12:48,134,804, A>G. VCF-style: chr12-48134804-A-G. GRCh37 (hg19) VCF-style: chr12-48528587-A-G.
Other names: p.Glu241Gly; c.935A>G, p.Glu312Gly (NM_001166686.2, NM_001354737.1, NM_001354738.1 and 1 more transcripts); c.722A>G, p.Glu241Gly (NM_001166687.2, NM_001166688.2, NM_001354742.2 and 4 more transcripts); c.1031A>G, p.Glu344Gly (NM_001354735.1, NM_001354736.1); c.866A>G, p.Glu289Gly (NM_001354740.1); c.746A>G, p.Glu249Gly (NM_001354741.2); c.635A>G, p.Glu212Gly (NM_001354745.2); c.572A>G, p.Glu191Gly (NM_001354747.2, NM_001354748.2); short protein forms E212G, E191G, E289G, E312G, E241G, E249G, E344G.
Identifiers: ClinVar variation 883791 (VCV000883791.17), dbSNP rs148544344, ClinGen allele CA6537086.